The following is an entry in ClinVar:

NM_006648.4(WNK2):c.2381A>G (p.Gln794Arg)

Gene: WNK2 (WNK lysine deficient protein kinase 2; plus strand). Cytogenetic location: 9q22.31.
Variant type: single nucleotide variant.
Coding change: c.2381A>G on transcript NM_006648.4 (MANE Select); coding-DNA position 2381, A replaced by G.
Protein change: p.Gln794Arg; replaces glutamine 794 with arginine.
Molecular consequence: missense variant.
Genome position (GRCh38, 1-based): chr9:93,257,138, A>G. VCF-style: chr9-93257138-A-G. GRCh37 (hg19) VCF-style: chr9-96019420-A-G.
Other names: c.2381A>G, p.Gln794Arg (NM_001282394.3); short protein forms Q794R.
Identifiers: ClinVar variation 3816689 (VCV003816689.1).

ClinVar aggregate classification (germline): Uncertain significance (1 of 4 stars; one submission).

gnomAD v4.1: 2 of 1,604,942 alleles (0.00012%); highest among the groups gnomAD compares: Non-Finnish European, 0.00017%; no homozygotes.

Submission:

Ambry Genetics
Classification: Uncertain significance. Last evaluated: 2024-12-31. Review status: criteria provided, single submitter. Criteria: Ambry Variant Classification Scheme 2023. Collection method: clinical testing. Allele origin: germline.
Comment: The p.Q794R variant (also known as c.2381A>G), located in coding exon 10 of the WNK2 gene, results from an A to G substitution at nucleotide position 2381. The glutamine at codon 794 is replaced by arginine, an amino acid with highly similar properties. This amino acid position is conserved. In addition, the in silico prediction for this alteration is inconclusive. Based on the available evidence, the clinical significance of this variant remains unclear.